The following is an entry in ClinVar:

NM_006019.4(TCIRG1):c.697C>T (p.Arg233Cys)

Gene: TCIRG1 (T cell immune regulator 1, ATPase H+ transporting V0 subunit a3; plus strand). Cytogenetic location: 11q13.2.
Variant type: single nucleotide variant.
Coding change: c.697C>T on transcript NM_006019.4 (MANE Select); coding-DNA position 697, C replaced by T.
Protein change: p.Arg233Cys; replaces arginine 233 with cysteine.
Molecular consequence: missense variant. On other transcripts: 5 prime UTR variant (1).
Genome position (GRCh38, 1-based): chr11:68,043,637, C>T. VCF-style: chr11-68043637-C-T. GRCh37 (hg19) VCF-style: chr11-67811104-C-T.
Other names: c.-214C>T (NM_001351059.2); c.49C>T, p.Arg17Cys (NM_006053.4); short protein forms R17C, R233C.
Identifiers: ClinVar variation 1359223 (VCV001359223.5), dbSNP rs776421112, ClinGen allele CA381578722.

ClinVar aggregate classification (germline): Uncertain significance (1 of 4 stars; one submission).

Allele frequency attached by ClinVar (database versions not stated): TOPMed below 0.00001.
gnomAD v4.1: 12 of 1,609,572 alleles (0.00075%); highest among the groups gnomAD compares: African/African-American, 0.0027%; no homozygotes.

Submission:

Labcorp Genetics (formerly Invitae), Labcorp
Classification: Uncertain significance. Last evaluated: 2021-08-27. Review status: criteria provided, single submitter. Criteria: Invitae Variant Classification Sherloc (09022015). Collection method: clinical testing. Allele origin: germline.
Comment: This sequence change replaces arginine with cysteine at codon 233 of the TCIRG1 protein (p.Arg233Cys). The arginine residue is weakly conserved and there is a large physicochemical difference between arginine and cysteine. This variant is not present in population databases (ExAC no frequency). This variant has not been reported in the literature in individuals affected with TCIRG1-related conditions. Algorithms developed to predict the effect of missense changes on protein structure and function are either unavailable or do not agree on the potential impact of this missense change (SIFT: "Deleterious"; PolyPhen-2: "Possibly Damaging"; Align-GVGD: "Class C0"). In summary, the available evidence is currently insufficient to determine the role of this variant in disease. Therefore, it has been classified as a Variant of Uncertain Significance.